The following is an entry in ClinVar:

NM_006939.4(SOS2):c.2058-10A>G

Gene: SOS2 (SOS Ras/Rho guanine nucleotide exchange factor 2; minus strand). Cytogenetic location: 14q21.3.
Variant type: single nucleotide variant.
Coding change: c.2058-10A>G on transcript NM_006939.4 (MANE Select); 10 bases into the intron before coding-DNA position 2058, A replaced by G.
Molecular consequence: intron variant.
Genome position (GRCh38, 1-based): chr14:50,153,183, T>C on the plus strand (A>G on the coding strand, the complement: SOS2 is on the minus strand). VCF-style: chr14-50153183-T-C. GRCh37 (hg19) VCF-style: chr14-50619901-T-C.
Other names: c.2058-10A>G (NM_006939.3).
Identifiers: ClinVar variation 1140647 (VCV001140647.11), dbSNP rs1303671107, ClinGen allele CA613848422.

ClinVar aggregate classification (germline): Likely benign. Review status: criteria provided, single submitter (1 of 4 stars). 2 submissions from 2 submitters: Likely benign (1). 1 of the submissions does not count toward it. Last evaluated 2025-02-03.

Conditions:
Noonan syndrome 9 (NS9). Identifiers: Orphanet 648, MedGen C4225282, MONDO:0014691, OMIM 616559.
SOS2-related disorder. Also called: SOS2-related condition.

Allele frequency attached by ClinVar (database versions not stated): gnomAD exomes below 0.00001.
gnomAD v4.1: 3 of 1,502,582 alleles (0.0002%); highest among the groups gnomAD compares: Non-Finnish European, 0.00028%; no homozygotes.

Submissions (2):

Labcorp Genetics (formerly Invitae), Labcorp
Classification: Likely benign for Noonan syndrome 9. Last evaluated: 2025-02-03. Review status: criteria provided, single submitter. Criteria: Invitae Variant Classification Sherloc (09022015). Collection method: clinical testing. Allele origin: germline.

PreventionGenetics, part of Exact Sciences
Classification: Likely benign for SOS2-related condition. Last evaluated: 2022-02-03. Review status: no assertion criteria provided. Collection method: clinical testing. Allele origin: germline. Not counted in ClinVar's aggregate classification.
Comment: This variant is classified as likely benign based on ACMG/AMP sequence variant interpretation guidelines (Richards et al. 2015 PMID: 25741868, with internal and published modifications).